The following is an entry in ClinVar:

ClinVar aggregate classification (germline): Uncertain significance. Review status: criteria provided, multiple submitters, no conflicts (2 of 4 stars). 2 submissions from 2 submitters: Uncertain significance (2). Last evaluated 2021-09-05.

Conditions:
Muscular dystrophy-dystroglycanopathy (congenital with brain and eye anomalies), type A, 7. Also called: WALKER-WARBURG SYNDROME OR MUSCLE-EYE-BRAIN DISEASE, ISPD-RELATED; Congenital muscular dystrophy-dystroglycanopathy with brain and eye anomalies, type A7. Identifiers: Orphanet 899, MedGen C3553330, MONDO:0013835, OMIM 614643.
Autosomal recessive limb-girdle muscular dystrophy type 2U. Also called: MUSCULAR DYSTROPHY, LIMB-GIRDLE, TYPE 2U; Muscular dystrophy-dystroglycanopathy (limb-girdle), type c, 7. Identifiers: Orphanet 352479, MedGen C5190987, MONDO:0014474, OMIM 616052.

Allele frequency attached by ClinVar (database versions not stated): gnomAD exomes below 0.00001; TOPMed 0.00002; gnomAD 0.00003.
gnomAD v4.1: 5 of 1,319,460 alleles (0.00038%); highest among the groups gnomAD compares: African/African-American, 0.0031%; no homozygotes.

Submissions (2):

Labcorp Genetics (formerly Invitae), Labcorp
Classification: Uncertain significance for Muscular dystrophy-dystroglycanopathy (congenital with brain and eye anomalies), type A, 7; Autosomal recessive limb-girdle muscular dystrophy type 2U. Last evaluated: 2021-09-05. Review status: criteria provided, single submitter. Criteria: Invitae Variant Classification Sherloc (09022015). Collection method: clinical testing. Allele origin: germline.
Comment: This sequence change replaces glutamine with proline at codon 67 of the ISPD protein (p.Gln67Pro). The glutamine residue is highly conserved and there is a moderate physicochemical difference between glutamine and proline. The frequency data for this variant in the population databases is considered unreliable, as metrics indicate insufficient coverage at this position in the ExAC database. This variant has not been reported in the literature in individuals affected with ISPD-related conditions. ClinVar contains an entry for this variant (Variation ID: 287450). Algorithms developed to predict the effect of missense changes on protein structure and function are either unavailable or do not agree on the potential impact of this missense change (SIFT: "Deleterious"; PolyPhen-2: "Probably Damaging"; Align-GVGD: "Class C0"). In summary, the available evidence is currently insufficient to determine the role of this variant in disease. Therefore, it has been classified as a Variant of Uncertain Significance.

Eurofins Ntd Llc (ga)
Classification: Uncertain significance. Last evaluated: 2017-01-03. Review status: criteria provided, single submitter. Criteria: EGL Classification Definitions 2015. Collection method: clinical testing. Allele origin: germline. Observed: 4 variant alleles, 4 heterozygotes.

NM_001101426.4(CRPPA):c.200A>C (p.Gln67Pro)

Gene: CRPPA (CDP-L-ribitol pyrophosphorylase A; minus strand). Cytogenetic location: 7p21.2.
Variant type: single nucleotide variant.
Coding change: c.200A>C on transcript NM_001101426.4 (MANE Select); coding-DNA position 200, A replaced by C.
Protein change: p.Gln67Pro; replaces glutamine 67 with proline.
Molecular consequence: missense variant. On other transcripts: non-coding transcript variant (1).
Genome position (GRCh38, 1-based): chr7:16,421,123, T>G on the plus strand (A>C on the coding strand, the complement: CRPPA is on the minus strand). VCF-style: chr7-16421123-T-G. GRCh37 (hg19) VCF-style: chr7-16460748-T-G.
Other names: c.200A>C, p.Gln67Pro (NM_001101417.4, NM_001368197.1); short protein forms Q67P.
Identifiers: ClinVar variation 287450 (VCV000287450.9), dbSNP rs886043637, ClinGen allele CA10605768.